The following is an entry in ClinVar:

ClinVar aggregate classification (germline): Pathogenic (0 of 4 stars; one submission).

Conditions:
Polycystic kidney disease. Also called: Polycystic kidney dysplasia; Kidney, Polycystic. Identifiers: MedGen C0022680, MeSH D007690, MONDO:0020642, HP:0000113.

Submission:

Department of Pathology and Laboratory Medicine, Sinai Health System
Classification: Pathogenic for Polycystic Kidney disease. Review status: no assertion criteria provided. Collection method: clinical testing. Allele origin: unknown. Affected: yes. Study: The Canadian Open Genetics Repository (COGR).
Comment: The PKD1 p.Tyr2796X variant was not identified in the literature, nor was it identified in dbSNP, the 1000 Genomes Project, the NHLBI Exome Sequencing Project, the Exome Aggregation Consortium, the Genome Aggregation Consortium, GeneInsight COGR, ClinVar, Clinvitae, MutDB, the ADPKD Mutation Database, PKD1-LOVD, or PKD1-LOVD 3.0. However, another variant at the same nucleotide in PKD1: c.8388T>A, p.Tyr2796X, was identified in the ADPKD Mutation Database as definitely pathogenic, found in 1 of 65 Chinese families or individuals with ADPKD (Yu 2011). The p.Tyr2796X variant leads to a premature stop codon at position 2796, which is predicted to lead to a truncated or absent protein and loss of function. Loss of function variants of the PKD1 gene are an established mechanism of disease in autosomal dominant polycystic kidney disease and is the type of variant expected to cause the disorder. In summary, based on the above information, this variant meets our laboratoryâ€šÃ„Ã´s criteria to be classified as pathogenic.

NM_001009944.3(PKD1):c.8388T>G (p.Tyr2796Ter)

Gene: PKD1 (polycystin 1, transient receptor potential channel interacting; minus strand). Cytogenetic location: 16p13.3.
Variant type: single nucleotide variant.
Coding change: c.8388T>G on transcript NM_001009944.3 (MANE Select); coding-DNA position 8388, T replaced by G.
Protein change: p.Tyr2796Ter; replaces tyrosine 2796 with a stop codon.
Molecular consequence: nonsense.
Genome position (GRCh38, 1-based): chr16:2,103,669, A>C on the plus strand (T>G on the coding strand, the complement: PKD1 is on the minus strand). VCF-style: chr16-2103669-A-C. GRCh37 (hg19) VCF-style: chr16-2153670-A-C.
Other names: c.8388T>G, p.Tyr2796Ter (NM_000296.4); short protein forms Y2796*.
Identifiers: ClinVar variation 997240 (VCV000997240.1), dbSNP rs2092200060, ClinGen allele CA394364251.
Genomic context (GRCh38, chr16:2,103,669, plus strand): 5'-CAGGGCCCCGCTGAAAGCCTCGGGGATGGAGAAGTGGCAGCCAGGCCCTGGGGCGCCGCC[A>C]TAGCACAGCAGGCTCCGCGGGTCCGAGCGCTTGCCCTGGGCCACGATCTCCTCGCCCGCC-3'